The following is an entry in ClinVar:

NM_001378414.1(HDAC4):c.2931C>T (p.Leu977=)

Gene: HDAC4 (histone deacetylase 4; minus strand). Cytogenetic location: 2q37.3.
Variant type: single nucleotide variant.
Coding change: c.2931C>T on transcript NM_001378414.1 (MANE Select); coding-DNA position 2931, C replaced by T.
Protein change: p.Leu977=; no amino-acid change (leucine 977 retained).
Molecular consequence: synonymous variant.
Genome position (GRCh38, 1-based): chr2:239,066,794, G>A on the plus strand (C>T on the coding strand, the complement: HDAC4 is on the minus strand). VCF-style: chr2-239066794-G-A. GRCh37 (hg19) VCF-style: chr2-239988490-G-A.
Other names: c.2931C>T, p.Leu977= (NM_001378415.1); c.2916C>T, p.Leu972= (NM_001378416.1, NM_001378417.1, NM_006037.4).
Identifiers: ClinVar variation 3041141 (VCV003041141.2), dbSNP rs200479723, ClinGen allele CA2199110.

ClinVar aggregate classification (germline): Likely benign (0 of 4 stars; one submission).

Conditions:
HDAC4-related disorder. Also called: HDAC4-related condition.

Allele frequency attached by ClinVar (database versions not stated): ESP Exome Variant Server 0.00008.

Submission:

PreventionGenetics, part of Exact Sciences
Classification: Likely benign for HDAC4-related condition. Last evaluated: 2019-09-25. Review status: no assertion criteria provided. Collection method: clinical testing. Allele origin: germline.
Comment: This variant is classified as likely benign based on ACMG/AMP sequence variant interpretation guidelines (Richards et al. 2015 PMID: 25741868, with internal and published modifications).